The following is an entry in ClinVar:

NM_002471.4(MYH6):c.4202A>C (p.Asp1401Ala)

Gene: MYH6 (myosin heavy chain 6; minus strand). Cytogenetic location: 14q11.2.
Variant type: single nucleotide variant.
Coding change: c.4202A>C on transcript NM_002471.4 (MANE Select); coding-DNA position 4202, A replaced by C.
Protein change: p.Asp1401Ala; replaces aspartic acid 1401 with alanine.
Molecular consequence: missense variant.
Genome position (GRCh38, 1-based): chr14:23,388,312, T>G on the plus strand (A>C on the coding strand, the complement: MYH6 is on the minus strand). VCF-style: chr14-23388312-T-G. GRCh37 (hg19) VCF-style: chr14-23857521-T-G.
Other names: short protein forms D1401A.
Identifiers: ClinVar variation 1396510 (VCV001396510.8), dbSNP rs2138588749, ClinGen allele CA388999659.

ClinVar aggregate classification (germline): Uncertain significance (1 of 4 stars; one submission).

Conditions:
Hypertrophic cardiomyopathy 14. Identifiers: MedGen C2750467, MONDO:0013197, OMIM 613251.

Submission:

Labcorp Genetics (formerly Invitae), Labcorp
Classification: Uncertain significance for Hypertrophic cardiomyopathy 14. Last evaluated: 2020-12-10. Review status: criteria provided, single submitter. Criteria: Invitae Variant Classification Sherloc (09022015). Collection method: clinical testing. Allele origin: germline.
Comment: In summary, the available evidence is currently insufficient to determine the role of this variant in disease. Therefore, it has been classified as a Variant of Uncertain Significance. Algorithms developed to predict the effect of missense changes on protein structure and function are either unavailable or do not agree on the potential impact of this missense change (SIFT: "Deleterious"; PolyPhen-2: "Benign"; Align-GVGD: "Class C0"). This variant has not been reported in the literature in individuals with MYH6-related conditions. This variant is not present in population databases (ExAC no frequency). This sequence change replaces aspartic acid with alanine at codon 1401 of the MYH6 protein (p.Asp1401Ala). The aspartic acid residue is weakly conserved and there is a moderate physicochemical difference between aspartic acid and alanine.